The following is an entry in ClinVar:

NM_002458.3(MUC5B):c.9603C>G (p.Thr3201=)

Genes: MUC5B (mucin 5B, oligomeric mucus/gel-forming; plus strand), MUC5B-AS1 (MUC5B antisense RNA 1; minus strand). Cytogenetic location: 11p15.5.
Variant type: single nucleotide variant.
Coding change: c.9603C>G on transcript NM_002458.3 (MANE Select); coding-DNA position 9603, C replaced by G.
Protein change: p.Thr3201=; no amino-acid change (threonine 3201 retained).
Molecular consequence: synonymous variant.
Genome position (GRCh38, 1-based): chr11:1,246,483, C>G. VCF-style: chr11-1246483-C-G. GRCh37 (hg19) VCF-style: chr11-1267713-C-G.
Identifiers: ClinVar variation 403155 (VCV000403155.5), dbSNP rs201457576, ClinGen allele CA5807071.
Genomic context (GRCh38, chr11:1,246,483, plus strand): 5'-CACCGCCTCCTCCACCCGGGCAACTGCTGGCACCCTCAAAGTGCTGACCAGCACGGCCAC[C>G]ACACCCACAGTCATCAGCTCCAGAGCCACTCCCTCCTCCAGTCCAGGGACTGCAACCGCC-3'
Protein context (NP_002449.2, residues 3191-3211): GTLKVLTSTA[Thr3201=]TPTVISSRAT

ClinVar aggregate classification (germline): Benign. Review status: criteria provided, multiple submitters, no conflicts (2 of 4 stars). 2 submissions from 2 submitters: Benign (2). Last evaluated 2016-03-28.

Allele frequency attached by ClinVar (database versions not stated): 1000 Genomes Project 30x 0.01437; TOPMed 0.01990; gnomAD exomes 0.02224 and 0.02791; gnomAD 0.02509 and 0.02595.
gnomAD v4.1: 44,327 of 1,608,844 alleles (2.8%); highest among the groups gnomAD compares: Non-Finnish European, 3%; 967 homozygotes.

Submissions (2):

Laboratory for Molecular Medicine, Mass General Brigham Personalized Medicine
Classification: Benign. Last evaluated: 2016-03-28. Review status: criteria provided, single submitter. Criteria: LMM Criteria. Collection method: clinical testing. Allele origin: germline.
Comment: Variant identified in a genome or exome case(s) and assessed due to predicted null impact of the variant or pathogenic assertions in the literature or databases. Disclaimer: This variant has not undergone full assessment. The following are preliminary notes: Frequency

Breakthrough Genomics
Classification: Benign. Review status: criteria provided, single submitter. Criteria: ACMG Guidelines, 2015. Collection method: not provided. Allele origin: germline. Inheritance: Autosomal dominant inheritance. Affected: yes.